The following is an entry in ClinVar:

ClinVar aggregate classification (germline): Uncertain significance. Review status: criteria provided, multiple submitters, no conflicts (2 of 4 stars). 5 submissions from 5 submitters: Uncertain significance (4). 1 of the submissions does not count toward it. Last evaluated 2025-10-13.

Conditions:
Cohen syndrome (COH1). Also called: PEPPER SYNDROME; Cutis verticis gyrata, retinitis pigmentosa, and sensorineural deafness. Identifiers: Orphanet 193, MedGen C0265223, MONDO:0008999, OMIM 216550.
VPS13B-related disorder. Also called: VPS13B-related condition.
Inborn genetic diseases. Identifiers: MedGen C0950123, MeSH D030342.

Allele frequency attached by ClinVar (database versions not stated): gnomAD 0.00001; ExAC 0.00002; TOPMed 0.00002.
gnomAD v4.1: 8 of 1,613,360 alleles (0.0005%); highest among the groups gnomAD compares: Admixed American, 0.0033%; no homozygotes.

Submissions (5):

PreventionGenetics, part of Exact Sciences
Classification: Uncertain significance for VPS13B-related condition. Last evaluated: 2025-10-13. Review status: criteria provided, single submitter. Criteria: ACMG Guidelines, 2015. Collection method: clinical testing. Allele origin: germline.
Comment: The VPS13B c.10681C>T variant is predicted to result in the amino acid substitution p.Arg3561Trp. To our knowledge, this variant has not been reported in the literature. This variant is reported in 0.0029% of alleles in individuals of Latino descent in gnomAD. At this time, the clinical significance of this variant is uncertain due to the absence of conclusive functional and genetic evidence.

Labcorp Genetics (formerly Invitae), Labcorp
Classification: Uncertain significance for Cohen syndrome. Last evaluated: 2024-11-04. Review status: criteria provided, single submitter. Criteria: Invitae Variant Classification Sherloc (09022015). Collection method: clinical testing. Allele origin: germline.
Comment: This sequence change replaces arginine, which is basic and polar, with tryptophan, which is neutral and slightly polar, at codon 3586 of the VPS13B protein (p.Arg3586Trp). This variant is present in population databases (rs200232124, gnomAD 0.006%). This variant has not been reported in the literature in individuals affected with VPS13B-related conditions. ClinVar contains an entry for this variant (Variation ID: 588507). Invitae Evidence Modeling of protein sequence and biophysical properties (such as structural, functional, and spatial information, amino acid conservation, physicochemical variation, residue mobility, and thermodynamic stability) has been performed for this missense variant. However, the output from this modeling did not meet the statistical confidence thresholds required to predict the impact of this variant on VPS13B protein function. In summary, the available evidence is currently insufficient to determine the role of this variant in disease. Therefore, it has been classified as a Variant of Uncertain Significance.

Blueprint Genetics
Classification: Uncertain significance. Last evaluated: 2023-12-29. Review status: criteria provided, single submitter. Criteria: ACMG Guidelines, 2015. Collection method: clinical testing. Allele origin: germline.

Ambry Genetics
Classification: Uncertain significance for Inborn genetic diseases. Last evaluated: 2016-12-01. Review status: criteria provided, single submitter. Criteria: Ambry Variant Classification Scheme 2023. Collection method: clinical testing. Allele origin: germline.
Comment: The p.R3586W variant (also known as c.10756C>T), located in coding exon 55 of the VPS13B gene, results from a C to T substitution at nucleotide position 10756. The arginine at codon 3586 is replaced by tryptophan, an amino acid with dissimilar properties. This amino acid position is not well conserved in available vertebrate species. In addition, the in silico prediction for this alteration is inconclusive. Since supporting evidence is limited at this time, the clinical significance of this variant remains unclear.

Natera, Inc.
Classification: Uncertain significance for Cohen syndrome. Last evaluated: 2020-09-11. Review status: no assertion criteria provided. Collection method: clinical testing. Allele origin: germline. Not counted in ClinVar's aggregate classification.

NM_152564.5(VPS13B):c.10681C>T (p.Arg3561Trp)

Gene: VPS13B (vacuolar protein sorting 13 homolog B; plus strand). Cytogenetic location: 8q22.2.
Variant type: single nucleotide variant.
Coding change: c.10681C>T on transcript NM_152564.5 (MANE Select); coding-DNA position 10681, C replaced by T.
Protein change: p.Arg3561Trp; replaces arginine 3561 with tryptophan.
Molecular consequence: missense variant.
Genome position (GRCh38, 1-based): chr8:99,854,070, C>T. VCF-style: chr8-99854070-C-T. GRCh37 (hg19) VCF-style: chr8-100866298-C-T.
Other names: c.10681C>T (NM_152564.4); c.10756C>T, p.Arg3586Trp (NM_017890.5); short protein forms R3561W, R3586W.
Identifiers: ClinVar variation 588507 (VCV000588507.15), dbSNP rs200232124, ClinGen allele CA4824995.